The following is an entry in ClinVar:

NM_000094.4(COL7A1):c.7669G>A (p.Gly2557Arg)

Gene: COL7A1 (collagen type VII alpha 1 chain; minus strand). Cytogenetic location: 3p21.31.
Variant type: single nucleotide variant.
Coding change: c.7669G>A on transcript NM_000094.4 (MANE Select); coding-DNA position 7669, G replaced by A.
Protein change: p.Gly2557Arg; replaces glycine 2557 with arginine.
Molecular consequence: missense variant.
Genome position (GRCh38, 1-based): chr3:48,569,392, C>T on the plus strand (G>A on the coding strand, the complement: COL7A1 is on the minus strand). VCF-style: chr3-48569392-C-T. GRCh37 (hg19) VCF-style: chr3-48606825-C-T.
Other names: short protein forms G2557R.
Identifiers: ClinVar variation 2682336 (VCV002682336.1), dbSNP rs2530843515, ClinGen allele CA352643668.

ClinVar aggregate classification (germline): Likely pathogenic (1 of 4 stars; one submission).

Conditions:
COL7A1-related disorder. Also called: COL7A1- related disorders; COL7A1-related condition.

Submission:

Women's Health and Genetics/Laboratory Corporation of America, LabCorp
Classification: Likely pathogenic for COL7A1-Related Disorders. Last evaluated: 2023-11-06. Review status: criteria provided, single submitter. Criteria: LabCorp Variant Classification Summary - May 2015. Collection method: clinical testing. Allele origin: germline.
Comment: Variant summary: COL7A1 c.7669G>A (p.Gly2557Arg) results in a non-conservative amino acid change located in the collagen triple helix repeat region (IPR008160) of the encoded protein sequence. Three of five in-silico tools predict a damaging effect of the variant on protein function. The variant was absent in 251482 control chromosomes (gnomAD). c.7669G>A has been reported in the literature in individuals affected with Dystrophic Epidermolysis Bullosa, Recessive (examples: Almaani_2011, Jerabkova_2010, Kopeckova_2016, Vahidnezhad_2017). These data indicate that the variant is likely to be associated with disease. To our knowledge, no experimental evidence demonstrating an impact on protein function has been reported. The following publications have been ascertained in the context of this evaluation (PMID: 21448560, 20598510, 26707537, 27899325). No submitters have cited clinical-significance assessments for this variant to ClinVar after 2014. Based on the evidence outlined above, the variant was classified as likely pathogenic.

Literature cited by the submitters: PubMed 21448560; PubMed 20598510; PubMed 26707537; PubMed 27899325.